The following is an entry in ClinVar:

ClinVar aggregate classification (germline): Pathogenic/Likely pathogenic. Review status: criteria provided, multiple submitters, no conflicts (2 of 4 stars). 3 submissions from 3 submitters: Pathogenic (2); Likely pathogenic (1). Last evaluated 2025-02-17.

Conditions:
Osteogenesis imperfecta type I (OI1). Also called: OI, TYPE I; OSTEOGENESIS IMPERFECTA TARDA; OSTEOGENESIS IMPERFECTA WITH BLUE SCLERAE; Osteogenesis imperfecta type 1; Lobstein disease; Classic Non-deforming Osteogenesis Imperfecta with Blue Sclerae. Identifiers: Orphanet 216796, Orphanet 666, MedGen C0023931, MONDO:0008146, OMIM 166200. Disease mechanism: loss of function.
Cardiovascular phenotype. Identifiers: MedGen CN230736.

Submissions (3):

Labcorp Genetics (formerly Invitae), Labcorp
Classification: Pathogenic for Osteogenesis imperfecta type I. Last evaluated: 2025-02-17. Review status: criteria provided, single submitter. Criteria: Invitae Variant Classification Sherloc (09022015). Collection method: clinical testing. Allele origin: germline.
Comment: This sequence change replaces glycine, which is neutral and non-polar, with serine, which is neutral and polar, at codon 221 of the COL1A1 protein (p.Gly221Ser). This variant is not present in population databases (gnomAD no frequency). This missense change has been observed in individual(s) with osteogenesis imperfecta (PMID: 27509835). ClinVar contains an entry for this variant (Variation ID: 664753). Invitae Evidence Modeling of protein sequence and biophysical properties (such as structural, functional, and spatial information, amino acid conservation, physicochemical variation, residue mobility, and thermodynamic stability) indicates that this missense variant is expected to disrupt COL1A1 protein function with a positive predictive value of 95%. This variant disrupts the triple helix domain of COL1A1. Glycine residues within the Gly-Xaa-Yaa repeats of the triple helix domain are required for the structure and stability of fibrillar collagens (PMID: 7695699, 8218237, 19344236). In COL1A1, variants affecting these glycine residues are significantly enriched in individuals with disease (PMID: 9016532, 17078022) compared to the general population (ExAC). This variant disrupts the p.Gly221 amino acid residue in COL1A1. Other variant(s) that disrupt this residue have been observed in individuals with COL1A1-related conditions (PMID: 1737847, 27011056), which suggests that this may be a clinically significant amino acid residue. For these reasons, this variant has been classified as Pathogenic.

GeneDx
Classification: Pathogenic. Last evaluated: 2023-08-25. Review status: criteria provided, single submitter. Criteria: GeneDx Variant Classification Process June 2021. Collection method: clinical testing. Allele origin: germline. Affected: yes.
Comment: Occurs in the triple helical domain and replaces a glycine in a canonical Gly-X-Y repeat; missense substitution of a canonical glycine residue is expected to disrupt normal protein folding and function, and this is an established mechanism of disease (Jovanovic et al., 2021); Not observed at significant frequency in large population cohorts (gnomAD); In silico analysis supports that this missense variant has a deleterious effect on protein structure/function; This variant is associated with the following publications: (PMID: 34007986, 27509835)

Ambry Genetics
Classification: Likely pathogenic for Cardiovascular phenotype. Last evaluated: 2019-05-15. Review status: criteria provided, single submitter. Criteria: Ambry Variant Classification Scheme 2023. Collection method: clinical testing. Allele origin: germline.
Comment: The p.G221S variant (also known as c.661G>A), located in coding exon 9 of the COL1A1 gene, results from a G to A substitution at nucleotide position 661. The glycine at codon 221 is replaced by serine, an amino acid with similar properties. The majority of pathogenic mutations identified to date in COL1A1 have involved the substitution of another amino acid for glycine within the triple-helical domain (Dagleish R. Nucleic Acids Res. 1997 Jan 1;25(1):181-7; Marini JC et al. Hum Mutat. 2007 Mar;28(3):209-21; Bardai G et al. Osteoporos Int, 2016 12;27:3607-3613). This variant has been reported in an individual with osteogenesis imperfecta type I, although limited clinical details were provided (Bardai G et al. Osteoporos Int, 2016 12;27:3607-3613). Internal structural analysis indicates that this alteration disrupts the characteristic G-X-Y motif in the COL1A1 protein and inserts a bulky side chain into a sterically-constrained region (Bella J et al. Science. 1994;266:75-81; Hohenester E et al. Proc. Natl. Acad. Sci. U.S.A. 2008;105:18273-7; Ambry internal data). This variant was not reported in population-based cohorts in the Genome Aggregation Database (gnomAD) (Lek M et al. Nature, 2016 08;536:285-91). This amino acid position is highly conserved in available vertebrate species. In addition, this alteration is predicted to be deleterious by in silico analysis. Based on the majority of available evidence to date, this variant is likely to be pathogenic.

Literature cited by the submitters: PubMed 27509835 (cited by Labcorp Genetics (formerly Invitae), Labcorp and Ambry Genetics); PubMed 7695699 (cited by Labcorp Genetics (formerly Invitae), Labcorp); PubMed 8218237 (cited by Labcorp Genetics (formerly Invitae), Labcorp); PubMed 19344236 (cited by Labcorp Genetics (formerly Invitae), Labcorp); PubMed 9016532 (cited by Labcorp Genetics (formerly Invitae), Labcorp); PubMed 17078022 (cited by Labcorp Genetics (formerly Invitae), Labcorp); PubMed 1737847 (cited by Labcorp Genetics (formerly Invitae), Labcorp); PubMed 27011056 (cited by Labcorp Genetics (formerly Invitae), Labcorp).

NM_000088.4(COL1A1):c.661G>A (p.Gly221Ser)

Gene: COL1A1 (collagen type I alpha 1 chain; minus strand). Cytogenetic location: 17q21.33.
Variant type: single nucleotide variant.
Coding change: c.661G>A on transcript NM_000088.4 (MANE Select); coding-DNA position 661, G replaced by A.
Protein change: p.Gly221Ser; replaces glycine 221 with serine.
Molecular consequence: missense variant.
Genome position (GRCh38, 1-based): chr17:50,197,767, C>T on the plus strand (G>A on the coding strand, the complement: COL1A1 is on the minus strand). VCF-style: chr17-50197767-C-T. GRCh37 (hg19) VCF-style: chr17-48275128-C-T.
Other names: short protein forms G221S.
Identifiers: ClinVar variation 664753 (VCV000664753.12), dbSNP rs72667037, ClinGen allele CA400224750.